The following is an entry in ClinVar:

ClinVar aggregate classification (germline): Likely benign. Review status: criteria provided, multiple submitters, no conflicts (2 of 4 stars). 2 submissions from 2 submitters: Likely benign (2). Last evaluated 2024-03-09.

Allele frequency attached by ClinVar (database versions not stated): gnomAD 0.00003 and 0.00004; gnomAD exomes 0.00005 and 0.00006; TOPMed 0.00005; ExAC 0.00006.
gnomAD v4.1: 77 of 1,612,886 alleles (0.0048%); highest among the groups gnomAD compares: Non-Finnish European, 0.0058%; 1 homozygote.

Submissions (2):

Blueprint Genetics
Classification: Likely benign. Last evaluated: 2024-03-09. Review status: criteria provided, single submitter. Criteria: ACMG Guidelines, 2015. Collection method: clinical testing. Allele origin: germline.

Laboratory for Molecular Medicine, Mass General Brigham Personalized Medicine
Classification: Likely benign. Last evaluated: 2017-02-07. Review status: criteria provided, single submitter. Criteria: LMM Criteria. Collection method: clinical testing. Allele origin: germline. Observed: 1 variant allele.
Comment: p.Lys404Lys in exon 9 of GRHL2: This variant is not expected to have clinical si gnificance because it does not alter an amino acid residue and is not located wi thin the splice consensus sequence. It has been identified in 7/66704 European c hromosomes by the Exome Aggregation Consortium (ExAC .org; dbSNP rs202007390).

NM_024915.4(GRHL2):c.1212A>G (p.Lys404=)

Gene: GRHL2 (grainyhead like transcription factor 2; plus strand). Cytogenetic location: 8q22.3.
Variant type: single nucleotide variant.
Coding change: c.1212A>G on transcript NM_024915.4 (MANE Select); coding-DNA position 1212, A replaced by G.
Protein change: p.Lys404=; no amino-acid change (lysine 404 retained).
Molecular consequence: synonymous variant.
Genome position (GRCh38, 1-based): chr8:101,619,652, A>G. VCF-style: chr8-101619652-A-G. GRCh37 (hg19) VCF-style: chr8-102631880-A-G.
Other names: c.1164A>G, p.Lys388= (NM_001330593.2).
Identifiers: ClinVar variation 517250 (VCV000517250.5), dbSNP rs202007390, ClinGen allele CA4830506.